The following is an entry in ClinVar:

ClinVar aggregate classification (germline): Uncertain significance (1 of 4 stars; one submission).

gnomAD v4.1: 6 of 1,613,912 alleles (0.00037%); highest among the groups gnomAD compares: East Asian, 0.0022%; no homozygotes.

Submission:

Labcorp Genetics (formerly Invitae), Labcorp
Classification: Uncertain significance. Last evaluated: 2025-04-10. Review status: criteria provided, single submitter. Criteria: Invitae Variant Classification Sherloc (09022015). Collection method: clinical testing. Allele origin: germline.
Comment: This sequence change replaces arginine, which is basic and polar, with glutamine, which is neutral and polar, at codon 1318 of the ATRN protein (p.Arg1318Gln). This variant is present in population databases (rs761701049, gnomAD 0.003%). This variant has not been reported in the literature in individuals affected with ATRN-related conditions. An algorithm developed to predict the effect of missense changes on protein structure and function (PolyPhen-2) suggests that this variant is likely to be disruptive. In summary, the available evidence is currently insufficient to determine the role of this variant in disease. Therefore, it has been classified as a Variant of Uncertain Significance.

NM_139321.3(ATRN):c.3953G>A (p.Arg1318Gln)

Gene: ATRN (attractin; plus strand). Cytogenetic location: 20p13.
Variant type: single nucleotide variant.
Coding change: c.3953G>A on transcript NM_139321.3 (MANE Select); coding-DNA position 3953, G replaced by A.
Protein change: p.Arg1318Gln; replaces arginine 1318 with glutamine.
Molecular consequence: missense variant.
Genome position (GRCh38, 1-based): chr20:3,638,838, G>A. VCF-style: chr20-3638838-G-A. GRCh37 (hg19) VCF-style: chr20-3619485-G-A.
Other names: short protein forms R1318Q.
Identifiers: ClinVar variation 4691496 (VCV004691496.1).